The following is an entry in ClinVar:

NM_024675.4(PALB2):c.1271C>T (p.Ala424Val)

Gene: PALB2 (partner and localizer of BRCA2; minus strand). Cytogenetic location: 16p12.2.
Variant type: single nucleotide variant.
Coding change: c.1271C>T on transcript NM_024675.4 (MANE Select); coding-DNA position 1271, C replaced by T.
Protein change: p.Ala424Val; replaces alanine 424 with valine.
Molecular consequence: missense variant.
Genome position (GRCh38, 1-based): chr16:23,635,275, G>A on the plus strand (C>T on the coding strand, the complement: PALB2 is on the minus strand). VCF-style: chr16-23635275-G-A. GRCh37 (hg19) VCF-style: chr16-23646596-G-A.
Other names: short protein forms A424V.
Identifiers: ClinVar variation 1171422 (VCV001171422.10), dbSNP rs2142420870, ClinGen allele CA395132659.

ClinVar aggregate classification (germline): Uncertain significance. Review status: criteria provided, multiple submitters, no conflicts (2 of 4 stars). 4 submissions from 4 submitters: Uncertain significance (4). Last evaluated 2025-12-30.

Conditions:
Breast-ovarian cancer, familial, susceptibility to, 5 (BROVCA5). Identifiers: MedGen C5830615, MONDO:0957530, OMIM 620442.
Hereditary cancer-predisposing syndrome. Also called: Neoplastic Syndromes, Hereditary; Hereditary Cancer Syndrome; Hereditary neoplastic syndrome; Tumor predisposition. Identifiers: Orphanet 140162, MedGen C0027672, MeSH D009386, MONDO:0015356.
Familial cancer of breast. Also called: BREAST CANCER, FAMILIAL; hereditary breast carcinoma; Hereditary breast cancer. Identifiers: Orphanet 227535, MedGen C0346153, MONDO:0016419, OMIM 114480. Disease mechanism: loss of function.

Submissions (4):

Labcorp Genetics (formerly Invitae), Labcorp
Classification: Uncertain significance for Familial cancer of breast. Last evaluated: 2025-12-30. Review status: criteria provided, single submitter. Criteria: Invitae Variant Classification Sherloc (09022015). Collection method: clinical testing. Allele origin: germline.
Comment: This sequence change replaces alanine, which is neutral and non-polar, with valine, which is neutral and non-polar, at codon 424 of the PALB2 protein (p.Ala424Val). This variant is not present in population databases (gnomAD no frequency). This variant has not been reported in the literature in individuals affected with PALB2-related conditions. ClinVar contains an entry for this variant (Variation ID: 1171422). Invitae Evidence Modeling of protein sequence and biophysical properties (such as structural, functional, and spatial information, amino acid conservation, physicochemical variation, residue mobility, and thermodynamic stability) indicates that this missense variant is expected to disrupt PALB2 protein function with a positive predictive value of 80%. In summary, the available evidence is currently insufficient to determine the role of this variant in disease. Therefore, it has been classified as a Variant of Uncertain Significance.

Dasa
Classification: Uncertain significance for Breast-ovarian cancer, familial, susceptibility to, 5. Last evaluated: 2025-01-27. Review status: criteria provided, single submitter. Criteria: DASA Assertion Criteria. Collection method: clinical testing. Allele origin: germline.
Comment: NM_024675.4(PALB2):c.1271C>T (p.Ala424Val) is a missense variant that results in the substitution of alanine with valine. This variant is rare in population databases. The currently available literature and clinical evidence are not sufficient to establish a definitive association between this variant and the reported condition. Therefore, this variant is classified as a variant of uncertain significance.

Color Diagnostics, LLC DBA Color Health
Classification: Uncertain significance for Hereditary cancer-predisposing syndrome. Last evaluated: 2024-03-06. Review status: criteria provided, single submitter. Criteria: ACMG Guidelines, 2015. Collection method: clinical testing. Allele origin: germline.
Comment: This missense variant replaces alanine with valine at codon 424 of the PALB2 protein. Computational prediction suggests that this variant may not impact protein structure and function (internally defined REVEL score threshold <= 0.5, PMID: 27666373). To our knowledge, functional studies have not been reported for this variant. This variant has not been reported in individuals affected with hereditary cancer in the literature. This variant has not been identified in the general population by the Genome Aggregation Database (gnomAD). The available evidence is insufficient to determine the role of this variant in disease conclusively. Therefore, this variant is classified as a Variant of Uncertain Significance.

Ambry Genetics
Classification: Uncertain significance for Hereditary cancer-predisposing syndrome. Last evaluated: 2022-05-07. Review status: criteria provided, single submitter. Criteria: Ambry Variant Classification Scheme 2023. Collection method: clinical testing. Allele origin: germline.
Comment: The p.A424V variant (also known as c.1271C>T), located in coding exon 4 of the PALB2 gene, results from a C to T substitution at nucleotide position 1271. The alanine at codon 424 is replaced by valine, an amino acid with similar properties. This amino acid position is conserved. In addition, this alteration is predicted to be tolerated by in silico analysis. Since supporting evidence is limited at this time, the clinical significance of this alteration remains unclear.